The following is an entry in ClinVar:

ClinVar aggregate classification (germline): Uncertain significance. Review status: criteria provided, multiple submitters, no conflicts (2 of 4 stars). 2 submissions from 2 submitters: Uncertain significance (2). Last evaluated 2025-04-16.

Submissions (2):

Labcorp Genetics (formerly Invitae), Labcorp
Classification: Uncertain significance. Last evaluated: 2025-04-16. Review status: criteria provided, single submitter. Criteria: Invitae Variant Classification Sherloc (09022015). Collection method: clinical testing. Allele origin: germline.
Comment: This sequence change replaces glycine, which is neutral and non-polar, with arginine, which is basic and polar, at codon 1237 of the COL11A1 protein (p.Gly1237Arg). This variant is not present in population databases (gnomAD no frequency). This variant has not been reported in the literature in individuals affected with COL11A1-related conditions. ClinVar contains an entry for this variant (Variation ID: 1439135). Experimental studies and prediction algorithms are not available or were not evaluated, and the functional significance of this variant is currently unknown. In summary, the available evidence is currently insufficient to determine the role of this variant in disease. Therefore, it has been classified as a Variant of Uncertain Significance.

GeneDx
Classification: Uncertain significance. Last evaluated: 2023-06-30. Review status: criteria provided, single submitter. Criteria: GeneDx Variant Classification Process June 2021. Collection method: clinical testing. Allele origin: germline. Affected: yes.
Comment: Not observed at significant frequency in large population cohorts (gnomAD); In silico analysis supports that this missense variant has a deleterious effect on protein structure/function; Has not been previously published as pathogenic or benign to our knowledge; This variant is associated with the following publications: (PMID: 25240749)

NM_001854.4(COL11A1):c.3709G>A (p.Gly1237Arg)

Gene: COL11A1 (collagen type XI alpha 1 chain; minus strand). Cytogenetic location: 1p21.1.
Variant type: single nucleotide variant.
Coding change: c.3709G>A on transcript NM_001854.4 (MANE Select); coding-DNA position 3709, G replaced by A.
Protein change: p.Gly1237Arg; replaces glycine 1237 with arginine.
Molecular consequence: missense variant. On other transcripts: non-coding transcript variant (1).
Genome position (GRCh38, 1-based): chr1:102,920,364, C>T on the plus strand (G>A on the coding strand, the complement: COL11A1 is on the minus strand). VCF-style: chr1-102920364-C-T. GRCh37 (hg19) VCF-style: chr1-103385920-C-T.
Other names: c.3592G>A, p.Gly1198Arg (NM_001190709.2); c.3745G>A, p.Gly1249Arg (NM_080629.3); c.3361G>A, p.Gly1121Arg (NM_080630.4); c.3709G>A (NM_001854.3); short protein forms G1121R, G1237R, G1198R, G1249R.
Identifiers: ClinVar variation 1439135 (VCV001439135.9), dbSNP rs2101066917, ClinGen allele CA341164004.